The following is an entry in ClinVar:

NM_001385012.1(NBEA):c.5207G>T (p.Ser1736Ile)

Gene: NBEA (neurobeachin; plus strand). Cytogenetic location: 13q13.3.
Variant type: single nucleotide variant.
Coding change: c.5207G>T on transcript NM_001385012.1 (MANE Select); coding-DNA position 5207, G replaced by T.
Protein change: p.Ser1736Ile; replaces serine 1736 with isoleucine.
Molecular consequence: missense variant.
Genome position (GRCh38, 1-based): chr13:35,196,143, G>T. VCF-style: chr13-35196143-G-T. GRCh37 (hg19) VCF-style: chr13-35770280-G-T.
Other names: c.5198G>T, p.Ser1733Ile (NM_001379245.1); c.5207G>T, p.Ser1736Ile (NM_015678.5); short protein forms S1733I, S1736I.
Identifiers: ClinVar variation 4527760 (VCV004527760.1).

ClinVar aggregate classification (germline): Uncertain significance (1 of 4 stars; one submission).

Submission:

GeneDx
Classification: Uncertain significance. Last evaluated: 2025-04-29. Review status: criteria provided, single submitter. Criteria: GeneDx Variant Classification Process June 2021. Collection method: clinical testing. Allele origin: germline. Affected: yes.
Comment: Not observed at significant frequency in large population cohorts (gnomAD); In silico analysis supports that this missense variant has a deleterious effect on protein structure/function; Has not been previously published as pathogenic or benign to our knowledge